The following is an entry in ClinVar:

NM_001199818.1(ARMCX5-GPRASP2):c.1509T>C (p.Phe503=)

Genes: ARMCX5-GPRASP2 (ARMCX5-GPRASP2 readthrough; plus strand), GPRASP2 (G protein-coupled receptor associated sorting protein 2; plus strand). Cytogenetic location: Xq22.1.
Variant type: single nucleotide variant.
Coding change: c.1509T>C on transcript NM_001199818.1; coding-DNA position 1509, T replaced by C.
Protein change: p.Phe503=; no amino-acid change (phenylalanine 503 retained).
Molecular consequence: synonymous variant. On other transcripts: intron variant (3).
Genome position (GRCh38, 1-based): chrX:102,716,378, T>C. VCF-style: chrX-102716378-T-C. GRCh37 (hg19) VCF-style: chrX-101971306-T-C.
Other names: c.1509T>C, p.Phe503= (NM_001004051.4, NM_001184874.3, NM_001184875.3 and 2 more transcripts); c.-820+2112T>C (NM_001350268.2); c.-752+2112T>C (NM_001350269.2); c.-721+2112T>C (NM_001350270.1).
Identifiers: ClinVar variation 3033083 (VCV003033083.2), dbSNP rs142764351, ClinGen allele CA10476579.

ClinVar aggregate classification (germline): Likely benign (0 of 4 stars; one submission).

Conditions:
ARMCX5-GPRASP2-related disorder. Also called: ARMCX5-GPRASP2-related condition.

Allele frequency attached by ClinVar (database versions not stated): gnomAD exomes 0.00001; ExAC 0.00003; TOPMed 0.00003; gnomAD 0.00004; ESP Exome Variant Server 0.00009.
gnomAD v4.1: 21 of 1,210,320 alleles (0.0017%); highest among the groups gnomAD compares: Admixed American, 0.0087%; no homozygotes.

Submission:

PreventionGenetics, part of Exact Sciences
Classification: Likely benign for ARMCX5-GPRASP2-related condition. Last evaluated: 2019-06-10. Review status: no assertion criteria provided. Collection method: clinical testing. Allele origin: germline.
Comment: This variant is classified as likely benign based on ACMG/AMP sequence variant interpretation guidelines (Richards et al. 2015 PMID: 25741868, with internal and published modifications).